The following is an entry in ClinVar:

NM_001035.3(RYR2):c.11974A>C (p.Asn3992His)

Gene: RYR2 (ryanodine receptor 2; plus strand). Cytogenetic location: 1q43.
Variant type: single nucleotide variant.
Coding change: c.11974A>C on transcript NM_001035.3 (MANE Select); coding-DNA position 11974, A replaced by C.
Protein change: p.Asn3992His; replaces asparagine 3992 with histidine.
Molecular consequence: missense variant.
Genome position (GRCh38, 1-based): chr1:237,783,686, A>C. VCF-style: chr1-237783686-A-C. GRCh37 (hg19) VCF-style: chr1-237946986-A-C.
Other names: c.11974A>C, p.Asn3992His (LRG_402t1); short protein forms N3992H.
Identifiers: ClinVar variation 519396 (VCV000519396.12), dbSNP rs781352451, ClinGen allele CA085107.

ClinVar aggregate classification (germline): Uncertain significance. Review status: criteria provided, multiple submitters, no conflicts (2 of 4 stars). 4 submissions from 4 submitters: Uncertain significance (4). Last evaluated 2026-08-12.

Conditions:
Cardiomyopathy (CMYO). Also called: Cardiomyopathies. Identifiers: Orphanet 167848, MedGen C0878544, MONDO:0004994, HP:0001638. Inheritance: Various modes of inheritance.
Cardiovascular phenotype. Identifiers: MedGen CN230736.
Catecholaminergic polymorphic ventricular tachycardia (CVPT). Also called: Catecholamine-induced polymorphic ventricular tachycardia. Identifiers: Orphanet 3286, MedGen C5574922, MONDO:0017990.
Catecholaminergic polymorphic ventricular tachycardia 1. Also called: VENTRICULAR TACHYCARDIA, CATECHOLAMINERGIC POLYMORPHIC, 1, WITH OR WITHOUT ATRIAL DYSFUNCTION AND/OR DILATED CARDIOMYOPATHY; RYR2-Related Catecholaminergic Polymorphic Ventricular Tachycardia; VENTRICULAR TACHYCARDIA, STRESS-INDUCED POLYMORPHIC 1. Identifiers: Orphanet 3286, MedGen C1631597, MONDO:0011484, OMIM 604772.

Allele frequency attached by ClinVar (database versions not stated): gnomAD exomes below 0.00001 and 0.00002; ExAC 0.00001; gnomAD 0.00005 and 0.00006; TOPMed 0.00005.
gnomAD v4.1: 15 of 1,601,434 alleles (0.00094%); highest among the groups gnomAD compares: Admixed American, 0.024%; no homozygotes.

Submissions (4):

Ambry Genetics
Classification: Uncertain significance for Cardiovascular phenotype. Last evaluated: 2026-08-12. Review status: criteria provided, single submitter. Criteria: Ambry Variant Classification Scheme 2023. Collection method: clinical testing. Allele origin: germline.

All of Us Research Program, National Institutes of Health
Classification: Uncertain significance for Catecholaminergic polymorphic ventricular tachycardia. Last evaluated: 2024-07-10. Review status: criteria provided, single submitter. Criteria: ACMG Guidelines, 2015. Collection method: clinical testing. Allele origin: germline. Inheritance: Autosomal dominant inheritance. Observed: 4 variant alleles, 4 heterozygotes.
Comment: This missense variant replaces asparagine with histidine at codon 3992 of the RYR2 protein. Computational prediction suggests that this variant may have deleterious impact on protein structure and function (internally defined REVEL score threshold >= 0.7, PMID: 27666373). To our knowledge, functional studies have not been reported for this variant. This variant has not been reported in individuals affected with cardiovascular disorders in the literature. This variant has been identified in 4/240842 chromosomes in the general population by the Genome Aggregation Database (gnomAD). The available evidence is insufficient to determine the role of this variant in disease conclusively. Therefore, this variant is classified as a Variant of Uncertain Significance.

This study involves interpretation of variants in research participants for the purpose of population health screening. Participant phenotype was not available at the time of variant classification. Additional details can be found in publication PMID: 35346344, PMCID: PMC8962531

Labcorp Genetics (formerly Invitae), Labcorp
Classification: Uncertain significance for Catecholaminergic polymorphic ventricular tachycardia 1. Last evaluated: 2024-05-09. Review status: criteria provided, single submitter. Criteria: Invitae Variant Classification Sherloc (09022015). Collection method: clinical testing. Allele origin: germline.
Comment: This sequence change replaces asparagine, which is neutral and polar, with histidine, which is basic and polar, at codon 3992 of the RYR2 protein (p.Asn3992His). This variant is present in population databases (rs781352451, gnomAD 0.01%). This variant has not been reported in the literature in individuals affected with RYR2-related conditions. ClinVar contains an entry for this variant (Variation ID: 519396). Advanced modeling of protein sequence and biophysical properties (such as structural, functional, and spatial information, amino acid conservation, physicochemical variation, residue mobility, and thermodynamic stability) performed at Invitae indicates that this missense variant is expected to disrupt RYR2 protein function with a positive predictive value of 95%. In summary, the available evidence is currently insufficient to determine the role of this variant in disease. Therefore, it has been classified as a Variant of Uncertain Significance.

Color Diagnostics, LLC DBA Color Health
Classification: Uncertain significance for Cardiomyopathy. Last evaluated: 2024-03-06. Review status: criteria provided, single submitter. Criteria: ACMG Guidelines, 2015. Collection method: clinical testing. Allele origin: germline.
Comment: This missense variant replaces asparagine with histidine at codon 3992 of the RYR2 protein. Computational prediction suggests that this variant may have deleterious impact on protein structure and function (internally defined REVEL score threshold >= 0.7, PMID: 27666373). To our knowledge, functional studies have not been reported for this variant. This variant has not been reported in individuals affected with RYR2-related disorders in the literature. This variant has been identified in 4/240842 chromosomes in the general population by the Genome Aggregation Database (gnomAD). The available evidence is insufficient to determine the role of this variant in disease conclusively. Therefore, this variant is classified as a Variant of Uncertain Significance.